The following is an entry in ClinVar:

ClinVar aggregate classification (germline): Uncertain significance (1 of 4 stars; one submission).

Conditions:
Multiple endocrine neoplasia type 4. Also called: MULTIPLE ENDOCRINE NEOPLASIA, TYPE IV. Identifiers: Orphanet 276152, MedGen C1970712, MONDO:0012552, OMIM 610755.

Submission:

Labcorp Genetics (formerly Invitae), Labcorp
Classification: Uncertain significance for Multiple endocrine neoplasia type 4. Last evaluated: 2023-08-17. Review status: criteria provided, single submitter. Criteria: Invitae Variant Classification Sherloc (09022015). Collection method: clinical testing. Allele origin: germline.
Comment: In summary, the available evidence is currently insufficient to determine the role of this variant in disease. Therefore, it has been classified as a Variant of Uncertain Significance. Variants that disrupt the consensus splice site are a relatively common cause of aberrant splicing (PMID: 17576681, 9536098). Algorithms developed to predict the effect of sequence changes on RNA splicing suggest that this variant may create or strengthen a splice site. ClinVar contains an entry for this variant (Variation ID: 1375575). This variant has not been reported in the literature in individuals affected with CDKN1B-related conditions. This variant is not present in population databases (gnomAD no frequency). This sequence change falls in intron 1 of the CDKN1B gene. It does not directly change the encoded amino acid sequence of the CDKN1B protein. It affects a nucleotide within the consensus splice site.

Literature cited by the submitters: PubMed 17576681; PubMed 9536098.

NM_004064.5(CDKN1B):c.475+3A>T

Gene: CDKN1B (cyclin dependent kinase inhibitor 1B; plus strand). Cytogenetic location: 12p13.1.
Variant type: single nucleotide variant.
Coding change: c.475+3A>T on transcript NM_004064.5 (MANE Select); 3 bases into the intron after coding-DNA position 475, A replaced by T.
Molecular consequence: intron variant.
Genome position (GRCh38, 1-based): chr12:12,718,317, A>T. VCF-style: chr12-12718317-A-T. GRCh37 (hg19) VCF-style: chr12-12871251-A-T.
Identifiers: ClinVar variation 1375575 (VCV001375575.6), dbSNP rs575418074, ClinGen allele CA2573147865.